The following is an entry in ClinVar:

NM_032043.3(BRIP1):c.1890A>G (p.Thr630=)

Gene: BRIP1 (BRCA1 interacting DNA helicase 1; minus strand). Cytogenetic location: 17q23.2.
Variant type: single nucleotide variant.
Coding change: c.1890A>G on transcript NM_032043.3 (MANE Select); coding-DNA position 1890, A replaced by G.
Protein change: p.Thr630=; no amino-acid change (threonine 630 retained).
Molecular consequence: synonymous variant.
Genome position (GRCh38, 1-based): chr17:61,780,306, T>C on the plus strand (A>G on the coding strand, the complement: BRIP1 is on the minus strand). VCF-style: chr17-61780306-T-C. GRCh37 (hg19) VCF-style: chr17-59857667-T-C.
Identifiers: ClinVar variation 185806 (VCV000185806.34), dbSNP rs145796331, ClinGen allele CA193003.
Genomic context (GRCh38, chr17:61,780,306, plus strand): 5'-AAAACAACAACTAACCTGTGAATTTTTAATGATATGATTAGCCTCCAGCTGGATAGTAAA[T>C]GTAACACCAAGTTCTGACGAAAAGGATTTCATTGGTGATAATGTACCAGATGTCAAAACA-3'
Protein context (NP_114432.2, residues 620-640): MKSFSSELGV[Thr630=]FTIQLEANHI

ClinVar aggregate classification (germline): Benign/Likely benign. Review status: criteria provided, multiple submitters, no conflicts (2 of 4 stars). 13 submissions from 12 submitters: Benign (3); Likely benign (6). 4 of the submissions do not count toward it. Last evaluated 2026-02-03.

Conditions:
BRIP1-related disorder. Also called: BRIP1-related condition; BRIP1-related disorders. Identifiers: MedGen CN239206.
Hereditary cancer-predisposing syndrome. Also called: Tumor predisposition; Neoplastic Syndromes, Hereditary; Hereditary neoplastic syndrome; Hereditary Cancer Syndrome. Identifiers: Orphanet 140162, MedGen C0027672, MeSH D009386, MONDO:0015356.
Ovarian cancer. Also called: OVARIAN CANCER, SOMATIC. Identifiers: Orphanet 213500, MedGen C1140680, MONDO:0008170, OMIM 167000.
Fanconi anemia complementation group J. Also called: BRIP1-Related Fanconi Anemia. Identifiers: Orphanet 84, MedGen C1836860, MONDO:0012187, OMIM 609054.
Familial cancer of breast. Also called: BREAST CANCER, FAMILIAL; hereditary breast carcinoma; Hereditary breast cancer. Identifiers: Orphanet 227535, MedGen C0346153, MONDO:0016419, OMIM 114480. Disease mechanism: loss of function.

Allele frequency attached by ClinVar (database versions not stated): gnomAD exomes 0.00002 and 0.00006; ExAC 0.00011; gnomAD 0.00015 and 0.00017; TOPMed 0.00020; ESP Exome Variant Server 0.00023.
gnomAD v4.1: 51 of 1,612,822 alleles (0.0032%); highest among the groups gnomAD compares: African/African-American, 0.063%; no homozygotes.

Submissions (13):

Labcorp Genetics (formerly Invitae), Labcorp
Classification: Benign for Familial cancer of breast; Fanconi anemia complementation group J. Last evaluated: 2026-02-03. Review status: criteria provided, single submitter. Criteria: Invitae Variant Classification Sherloc (09022015). Collection method: clinical testing. Allele origin: germline.

Blueprint Genetics
Classification: Likely benign. Last evaluated: 2024-11-22. Review status: criteria provided, single submitter. Criteria: ACMG Guidelines, 2015. Collection method: clinical testing. Allele origin: germline.

Myriad Genetics, Inc.
Classification: Benign for Familial cancer of breast. Last evaluated: 2023-02-28. Review status: criteria provided, single submitter. Criteria: Myriad Autosomal Dominant, Autosomal Recessive and X-Linked Classification Criteria (2023). Collection method: clinical testing. Allele origin: unknown.
Comment: This variant is considered benign. This variant is a silent/synonymous amino acid change and it is not expected to impact splicing.

GeneDx
Classification: Likely benign. Last evaluated: 2021-10-11. Review status: criteria provided, single submitter. Criteria: GeneDx Variant Classification Process June 2021. Collection method: clinical testing. Allele origin: germline. Affected: yes.

Women's Health and Genetics/Laboratory Corporation of America, LabCorp
Classification: Likely benign. Last evaluated: 2019-08-10. Review status: criteria provided, single submitter. Criteria: LabCorp Variant Classification Summary - May 2015. Collection method: clinical testing. Allele origin: germline.

Quest Diagnostics Nichols Institute San Juan Capistrano
Classification: Benign. Last evaluated: 2018-06-20. Review status: criteria provided, single submitter. Criteria: Quest Diagnostics criteria. Collection method: clinical testing. Allele origin: germline.

Genetic Services Laboratory, University of Chicago
Classification: Likely benign. Last evaluated: 2017-05-25. Review status: criteria provided, single submitter. Criteria: ACMG Guidelines, 2015. Collection method: clinical testing. Allele origin: germline. Affected: no.

Color Diagnostics, LLC DBA Color Health
Classification: Likely benign for Hereditary cancer-predisposing syndrome. Last evaluated: 2016-06-24. Review status: criteria provided, single submitter. Criteria: ACMG Guidelines, 2015. Collection method: clinical testing. Allele origin: germline.

Ambry Genetics
Classification: Likely benign for Hereditary cancer-predisposing syndrome. Last evaluated: 2014-08-05. Review status: criteria provided, single submitter. Criteria: Ambry Variant Classification Scheme 2023. Collection method: clinical testing. Allele origin: germline.

Institute for Biomarker Research, Medical Diagnostic Laboratories, L.L.C.
Classification: Likely benign for Hereditary cancer-predisposing syndrome. Last evaluated: 2021-09-15. Review status: no assertion criteria provided. Collection method: clinical testing. Allele origin: germline. Not counted in ClinVar's aggregate classification.

PreventionGenetics, part of Exact Sciences
Classification: Likely benign for BRIP1-related condition. Last evaluated: 2019-08-09. Review status: no assertion criteria provided. Collection method: clinical testing. Allele origin: germline. Not counted in ClinVar's aggregate classification.
Comment: This variant is classified as likely benign based on ACMG/AMP sequence variant interpretation guidelines (Richards et al. 2015 PMID: 25741868, with internal and published modifications).

Counsyl
Classification: Likely benign for Fanconi anemia complementation group J. Last evaluated: 2016-10-26. Review status: no assertion criteria provided. Collection method: clinical testing. Allele origin: unknown. Not counted in ClinVar's aggregate classification.

Counsyl
Classification: Likely benign for Ovarian cancer. Last evaluated: 2016-10-26. Review status: no assertion criteria provided. Collection method: clinical testing. Allele origin: unknown. Not counted in ClinVar's aggregate classification.